The following is an entry in ClinVar:

NM_172362.3(KCNH1):c.1359G>A (p.Ser453=)

Gene: KCNH1 (potassium voltage-gated channel subfamily H member 1; minus strand). Cytogenetic location: 1q32.2.
Variant type: single nucleotide variant.
Coding change: c.1359G>A on transcript NM_172362.3 (MANE Select); coding-DNA position 1359, G replaced by A.
Protein change: p.Ser453=; no amino-acid change (serine 453 retained).
Molecular consequence: synonymous variant.
Genome position (GRCh38, 1-based): chr1:210,919,743, C>T on the plus strand (G>A on the coding strand, the complement: KCNH1 is on the minus strand). VCF-style: chr1-210919743-C-T. GRCh37 (hg19) VCF-style: chr1-211093085-C-T.
Other names: c.1278G>A, p.Ser426= (NM_002238.4).
Identifiers: ClinVar variation 772167 (VCV000772167.11), dbSNP rs764070927, ClinGen allele CA1379893.

ClinVar aggregate classification (germline): Likely benign. Review status: criteria provided, multiple submitters, no conflicts (2 of 4 stars). 3 submissions from 3 submitters: Likely benign (3). Last evaluated 2025-12-17.

Conditions:
KCNH1-related disorder. Also called: KCNH1-related disorders; KCNH1-related condition.

Allele frequency attached by ClinVar (database versions not stated): gnomAD 0.00003; gnomAD exomes 0.00007 and 0.00025; ExAC 0.00012; TOPMed 0.00014.
gnomAD v4.1: 105 of 1,614,044 alleles (0.0065%); highest among the groups gnomAD compares: Admixed American, 0.11%; no homozygotes.

Submissions (3):

Labcorp Genetics (formerly Invitae), Labcorp
Classification: Likely benign. Last evaluated: 2025-12-17. Review status: criteria provided, single submitter. Criteria: Invitae Variant Classification Sherloc (09022015). Collection method: clinical testing. Allele origin: germline.

PreventionGenetics, part of Exact Sciences
Classification: Likely benign for KCNH1-related condition. Last evaluated: 2025-07-17. Review status: criteria provided, single submitter. Criteria: ACMG Guidelines, 2015. Collection method: clinical testing. Allele origin: germline.
Comment: This variant is classified as likely benign based on ACMG/AMP sequence variant interpretation guidelines (Richards et al. 2015 PMID: 25741868, with internal and published modifications).

Blueprint Genetics
Classification: Likely benign. Last evaluated: 2024-02-16. Review status: criteria provided, single submitter. Criteria: ACMG Guidelines, 2015. Collection method: clinical testing. Allele origin: germline.